The following is an entry in ClinVar:

NM_014319.5(LEMD3):c.584C>G (p.Ser195Trp)

Gene: LEMD3 (LEM domain containing 3; plus strand). Cytogenetic location: 12q14.3.
Variant type: single nucleotide variant.
Coding change: c.584C>G on transcript NM_014319.5 (MANE Select); coding-DNA position 584, C replaced by G.
Protein change: p.Ser195Trp; replaces serine 195 with tryptophan.
Molecular consequence: missense variant.
Genome position (GRCh38, 1-based): chr12:65,170,180, C>G. VCF-style: chr12-65170180-C-G. GRCh37 (hg19) VCF-style: chr12-65563960-C-G.
Other names: c.584C>G, p.Ser195Trp (NM_001167614.2); short protein forms S195W.
Identifiers: ClinVar variation 4709396 (VCV004709396.1).

ClinVar aggregate classification (germline): Uncertain significance (1 of 4 stars; one submission).

gnomAD v4.1: 8 of 1,497,932 alleles (0.00053%); highest among the groups gnomAD compares: Non-Finnish European, 0.00053%; no homozygotes.

Submission:

Labcorp Genetics (formerly Invitae), Labcorp
Classification: Uncertain significance. Last evaluated: 2025-04-13. Review status: criteria provided, single submitter. Criteria: Invitae Variant Classification Sherloc (09022015). Collection method: clinical testing. Allele origin: germline.
Comment: This sequence change replaces serine, which is neutral and polar, with tryptophan, which is neutral and slightly polar, at codon 195 of the LEMD3 protein (p.Ser195Trp). This variant is not present in population databases (gnomAD no frequency). This variant has not been reported in the literature in individuals affected with LEMD3-related conditions. Invitae Evidence Modeling of protein sequence and biophysical properties (such as structural, functional, and spatial information, amino acid conservation, physicochemical variation, residue mobility, and thermodynamic stability) indicates that this missense variant is not expected to disrupt LEMD3 protein function with a negative predictive value of 80%. In summary, the available evidence is currently insufficient to determine the role of this variant in disease. Therefore, it has been classified as a Variant of Uncertain Significance.